The following is an entry in ClinVar:

ClinVar aggregate classification (germline): Uncertain significance. Review status: criteria provided, multiple submitters, no conflicts (2 of 4 stars). 2 submissions from 2 submitters: Uncertain significance (2). Last evaluated 2026-02-09.

Conditions:
Familial sleep-related hypermotor epilepsy. Also called: Autosomal Dominant Sleep-Related Hypermotor (Hyperkinetic) Epilepsy. Identifiers: Orphanet 98784, MedGen C3696898, MONDO:0000030.

Allele frequency attached by ClinVar (database versions not stated): gnomAD exomes 0.00001; TOPMed below 0.00001; ExAC 0.00001.

Submissions (2):

GeneDx
Classification: Uncertain significance. Last evaluated: 2026-02-09. Review status: criteria provided, single submitter. Criteria: GeneDx Variant Classification Process June 2021. Collection method: clinical testing. Allele origin: germline.
Comment: In silico analysis suggests that this missense variant does not alter protein structure/function; Has not been previously published as pathogenic or benign to our knowledge

Labcorp Genetics (formerly Invitae), Labcorp
Classification: Uncertain significance. Last evaluated: 2023-12-11. Review status: criteria provided, single submitter. Criteria: Invitae Variant Classification Sherloc (09022015). Collection method: clinical testing. Allele origin: germline.
Comment: This sequence change replaces serine, which is neutral and polar, with arginine, which is basic and polar, at codon 406 of the CHRNA2 protein (p.Ser406Arg). This variant is present in population databases (rs749199596, gnomAD 0.01%). This variant has not been reported in the literature in individuals affected with CHRNA2-related conditions. ClinVar contains an entry for this variant (Variation ID: 1699577). Advanced modeling of protein sequence and biophysical properties (such as structural, functional, and spatial information, amino acid conservation, physicochemical variation, residue mobility, and thermodynamic stability) performed at Invitae indicates that this missense variant is not expected to disrupt CHRNA2 protein function with a negative predictive value of 80%. In summary, the available evidence is currently insufficient to determine the role of this variant in disease. Therefore, it has been classified as a Variant of Uncertain Significance.

NM_000742.4(CHRNA2):c.1218C>G (p.Ser406Arg)

Gene: CHRNA2 (cholinergic receptor nicotinic alpha 2 subunit; minus strand). Cytogenetic location: 8p21.2.
Variant type: single nucleotide variant.
Coding change: c.1218C>G on transcript NM_000742.4 (MANE Select); coding-DNA position 1218, C replaced by G.
Protein change: p.Ser406Arg; replaces serine 406 with arginine.
Molecular consequence: missense variant.
Genome position (GRCh38, 1-based): chr8:27,463,225, G>C on the plus strand (C>G on the coding strand, the complement: CHRNA2 is on the minus strand). VCF-style: chr8-27463225-G-C. GRCh37 (hg19) VCF-style: chr8-27320742-G-C.
Other names: c.1173C>G, p.Ser391Arg (NM_001282455.2); c.741C>G, p.Ser247Arg (NM_001347705.2, NM_001347706.2); c.624C>G, p.Ser208Arg (NM_001347707.2, NM_001347708.2); short protein forms S208R, S247R, S391R, S406R.
Identifiers: ClinVar variation 1699577 (VCV001699577.6), dbSNP rs749199596, ClinGen allele CA4689500.